The following is an entry in ClinVar:

NM_018062.4(FANCL):c.738dup (p.Met247fs)

Gene: FANCL (FA complementation group L; minus strand). Cytogenetic location: 2p16.1.
Variant type: Duplication.
Coding change: c.738dup on transcript NM_018062.4 (MANE Select); coding-DNA position 738, one base duplicated (T; older notation c.738dupT).
Protein change: p.Met247fs; shifts the reading frame from methionine 247.
Molecular consequence: frameshift variant.
Genome position (GRCh38, 1-based): chr2:58,163,471, A duplicated on the plus strand (T on the coding strand, the reverse complement: FANCL is on the minus strand). VCF-style (leftmost placement, unchanged base first): chr2-58163470-T-TA. GRCh37 (hg19) VCF-style: chr2-58390605-T-TA.
Other names: c.753dup, p.Met252Tyrfs (NM_001114636.2); c.783dup, p.Met262fs (NM_001374615.1); c.798dup, p.Met267fs (NM_001410792.1); short protein forms M247fs, M252fs, M262fs, M267fs.
Identifiers: ClinVar variation 2675663 (VCV002675663.4), dbSNP rs1364312021, ClinGen allele CA770594579.
Genomic context (GRCh38, chr2:58,163,470, plus strand): 5'-ACGTTTAAATCTCAGATGTCATACCATGGTCAGCTCCAAGAAAGAAGCACTCAGGAAGCA[T>TA]AGTAGGATGCCTGGGGTCTACCTCTATATTTATGGAAACATTATTACCTAGAATGAAACA-3'

ClinVar aggregate classification (germline): Likely pathogenic. Review status: criteria provided, multiple submitters, no conflicts (2 of 4 stars). 3 submissions from 3 submitters: Likely pathogenic (3). Last evaluated 2025-06-21.

Conditions:
Fanconi anemia complementation group L (FANCL). Also called: FANCL-Related Fanconi Anemia. Identifiers: Orphanet 84, MedGen C3469528, MONDO:0013566, OMIM 614083.

Allele frequency attached by ClinVar (database versions not stated): TOPMed 0.00002.

Submissions (3):

EVOGEN
Classification: Likely pathogenic for Fanconi anemia complementation group L. Last evaluated: 2025-06-21. Review status: criteria provided, single submitter. Criteria: ACMG Guidelines, 2015. Collection method: clinical testing. Allele origin: germline. Affected: yes.
Comment: Tubulolobular carcinoma, G1. PVS1: Null variant in a gene where loss of function is a known mechanism of disease PM2: Extremely low frequency in gnomAD population databases

Baylor Genetics
Classification: Likely pathogenic for Fanconi anemia complementation group L. Last evaluated: 2023-08-07. Review status: criteria provided, single submitter. Criteria: ACMG Guidelines, 2015. Collection method: clinical testing. Allele origin: unknown.

Juno Genomics, Hangzhou Juno Genomics, Inc
Classification: Likely pathogenic for Fanconi anemia complementation group L. Review status: criteria provided, single submitter. Criteria: ACMG Guidelines, 2015. Collection method: clinical testing. Allele origin: germline. Affected: yes.
Comment: Absent from controls (or at extremely low frequency if recessive) in Genome Aggregation Database, Exome Sequencing Project, 1000 Genomes Project, or Exome Aggregation Consortium.;Null variant in a gene where loss of function (LOF) is a known mechanism of disease.